The following is an entry in ClinVar:

NM_004789.4(LHX2):c.224T>G (p.Met75Arg)

Gene: LHX2 (LIM homeobox 2; plus strand). Cytogenetic location: 9q33.3.
Variant type: single nucleotide variant.
Coding change: c.224T>G on transcript NM_004789.4 (MANE Select); coding-DNA position 224, T replaced by G.
Protein change: p.Met75Arg; replaces methionine 75 with arginine.
Molecular consequence: missense variant.
Genome position (GRCh38, 1-based): chr9:124,014,064, T>G. VCF-style: chr9-124014064-T-G. GRCh37 (hg19) VCF-style: chr9-126776343-T-G.
Other names: short protein forms M75R.
Identifiers: ClinVar variation 4881532 (VCV004881532.2).
Genomic context (GRCh38, chr9:124,014,064, plus strand): 5'-GCTGCGGGGGCAAGATCTCGGACCGCTACTACCTGCTGGCGGTGGACAAGCAGTGGCACA[T>G]GCGCTGCCTCAAGTGCTGCGAGTGCAAGCTCAACCTGGAGTCGGAGCTCACCTGTTTCAG-3'
Protein context (NP_004780.3, residues 65-85): YLLAVDKQWH[Met75Arg]RCLKCCECKL

ClinVar aggregate classification (germline): Uncertain significance (1 of 4 stars; one submission).

Submission:

Dasa
Classification: Uncertain significance. Last evaluated: 2024-11-19. Review status: criteria provided, single submitter. Criteria: DASA Assertion Criteria. Collection method: clinical testing. Allele origin: germline.
Comment: NM_004789.4(LHX2):c.224T>G (p.Met75Arg) is a missense variant that results in the substitution of methionine with arginine. This variant is absent from population databases. The currently available literature and clinical evidence are not sufficient to establish a definitive association between this variant and the reported condition. Therefore, this variant is classified as a variant of uncertain significance.